The following is an entry in ClinVar:

NM_005045.4(RELN):c.1519A>G (p.Ile507Val)

Gene: RELN (reelin; minus strand). Cytogenetic location: 7q22.1.
Variant type: single nucleotide variant.
Coding change: c.1519A>G on transcript NM_005045.4 (MANE Select); coding-DNA position 1519, A replaced by G.
Protein change: p.Ile507Val; replaces isoleucine 507 with valine.
Molecular consequence: missense variant.
Genome position (GRCh38, 1-based): chr7:103,654,128, T>C on the plus strand (A>G on the coding strand, the complement: RELN is on the minus strand). VCF-style: chr7-103654128-T-C. GRCh37 (hg19) VCF-style: chr7-103294575-T-C.
Other names: c.1519A>G, p.Ile507Val (NM_173054.3); short protein forms I507V.
Identifiers: ClinVar variation 1900867 (VCV001900867.5), dbSNP rs1191624813, ClinGen allele CA368766347.

ClinVar aggregate classification (germline): Uncertain significance (1 of 4 stars; one submission).

Conditions:
Familial temporal lobe epilepsy 7. Identifiers: Orphanet 101046, MedGen C4225327, MONDO:0014639, OMIM 616436.
Norman-Roberts syndrome (LIS2). Also called: Lissencephaly 2 (Norman-Roberts type). Identifiers: Orphanet 89844, MedGen C0796089, MONDO:0009760, OMIM 257320.

Allele frequency attached by ClinVar (database versions not stated): gnomAD 0.00001; gnomAD exomes 0.00001.
gnomAD v4.1: 12 of 1,604,270 alleles (0.00075%); highest among the groups gnomAD compares: South Asian, 0.0044%; no homozygotes.

Submission:

Labcorp Genetics (formerly Invitae), Labcorp
Classification: Uncertain significance for Familial temporal lobe epilepsy 7; Norman-Roberts syndrome. Last evaluated: 2022-07-11. Review status: criteria provided, single submitter. Criteria: Invitae Variant Classification Sherloc (09022015). Collection method: clinical testing. Allele origin: germline.
Comment: In summary, the available evidence is currently insufficient to determine the role of this variant in disease. Therefore, it has been classified as a Variant of Uncertain Significance. Algorithms developed to predict the effect of missense changes on protein structure and function output the following: SIFT: "Tolerated"; PolyPhen-2: "Benign"; Align-GVGD: "Class C0". The valine amino acid residue is found in multiple mammalian species, which suggests that this missense change does not adversely affect protein function. This variant has not been reported in the literature in individuals affected with RELN-related conditions. This variant is present in population databases (no rsID available, gnomAD 0.0009%). This sequence change replaces isoleucine, which is neutral and non-polar, with valine, which is neutral and non-polar, at codon 507 of the RELN protein (p.Ile507Val).